The following is an entry in ClinVar:

NM_024529.5(CDC73):c.41A>C (p.Gln14Pro)

Gene: CDC73 (cell division cycle 73; plus strand). Cytogenetic location: 1q31.2.
Variant type: single nucleotide variant.
Coding change: c.41A>C on transcript NM_024529.5 (MANE Select); coding-DNA position 41, A replaced by C.
Protein change: p.Gln14Pro; replaces glutamine 14 with proline.
Molecular consequence: missense variant.
Genome position (GRCh38, 1-based): chr1:193,122,241, A>C. VCF-style: chr1-193122241-A-C. GRCh37 (hg19) VCF-style: chr1-193091371-A-C.
Other names: short protein forms Q14P.
Identifiers: ClinVar variation 1738633 (VCV001738633.7), dbSNP rs767638609, ClinGen allele CA343972808.

ClinVar aggregate classification (germline): Uncertain significance. Review status: criteria provided, multiple submitters, no conflicts (2 of 4 stars). 2 submissions from 2 submitters: Uncertain significance (2). Last evaluated 2022-03-19.

Conditions:
Hereditary cancer-predisposing syndrome. Also called: Hereditary Cancer Syndrome; Hereditary neoplastic syndrome; Neoplastic Syndromes, Hereditary; Tumor predisposition. Identifiers: Orphanet 140162, MedGen C0027672, MeSH D009386, MONDO:0015356.
Parathyroid carcinoma (PRTC). Also called: Parathyroid gland carcinoma; CDC73-Related Parathyroid Carcinoma. Identifiers: Orphanet 143, MedGen C0687150, MONDO:0012004, OMIM 608266, HP:0006780.

Submissions (2):

Labcorp Genetics (formerly Invitae), Labcorp
Classification: Uncertain significance for Parathyroid carcinoma. Last evaluated: 2022-03-19. Review status: criteria provided, single submitter. Criteria: Invitae Variant Classification Sherloc (09022015). Collection method: clinical testing. Allele origin: germline.
Comment: This sequence change replaces glutamine, which is neutral and polar, with proline, which is neutral and non-polar, at codon 14 of the CDC73 protein (p.Gln14Pro). In summary, the available evidence is currently insufficient to determine the role of this variant in disease. Therefore, it has been classified as a Variant of Uncertain Significance. Algorithms developed to predict the effect of missense changes on protein structure and function (SIFT, PolyPhen-2, Align-GVGD) all suggest that this variant is likely to be tolerated. This variant has not been reported in the literature in individuals affected with CDC73-related conditions. This variant is not present in population databases (gnomAD no frequency).

Ambry Genetics
Classification: Uncertain significance for Hereditary cancer-predisposing syndrome. Last evaluated: 2021-08-26. Review status: criteria provided, single submitter. Criteria: Ambry Variant Classification Scheme 2023. Collection method: clinical testing. Allele origin: germline.
Comment: The p.Q14P variant (also known as c.41A>C), located in coding exon 1 of the CDC73 gene, results from an A to C substitution at nucleotide position 41. The glutamine at codon 14 is replaced by proline, an amino acid with similar properties. This amino acid position is highly conserved in available vertebrate species. In addition, the in silico prediction for this alteration is inconclusive. Since supporting evidence is limited at this time, the clinical significance of this alteration remains unclear.